The following is an entry in ClinVar:

ClinVar aggregate classification (germline): Uncertain significance. Review status: criteria provided, multiple submitters, no conflicts (2 of 4 stars). 2 submissions from 2 submitters: Uncertain significance (2). Last evaluated 2025-05-16.

Conditions:
Inborn genetic diseases. Identifiers: MedGen C0950123, MeSH D030342.

Allele frequency attached by ClinVar (database versions not stated): TOPMed 0.00002; gnomAD 0.00001; gnomAD exomes 0.00003.

Submissions (2):

Ambry Genetics
Classification: Uncertain significance for Inborn genetic diseases. Last evaluated: 2025-05-16. Review status: criteria provided, single submitter. Criteria: Ambry Variant Classification Scheme 2023. Collection method: clinical testing. Allele origin: germline.

Labcorp Genetics (formerly Invitae), Labcorp
Classification: Uncertain significance. Last evaluated: 2023-06-26. Review status: criteria provided, single submitter. Criteria: Invitae Variant Classification Sherloc (09022015). Collection method: clinical testing. Allele origin: germline.
Comment: In summary, the available evidence is currently insufficient to determine the role of this variant in disease. Therefore, it has been classified as a Variant of Uncertain Significance. An algorithm developed to predict the effect of missense changes on protein structure and function (PolyPhen-2) suggests that this variant is likely to be disruptive. ClinVar contains an entry for this variant (Variation ID: 1522837). This variant has not been reported in the literature in individuals affected with MPDZ-related conditions. This variant is present in population databases (rs770059283, gnomAD 0.01%). This sequence change replaces arginine, which is basic and polar, with cysteine, which is neutral and slightly polar, at codon 295 of the MPDZ protein (p.Arg295Cys).

NM_001378778.1(MPDZ):c.883C>T (p.Arg295Cys)

Gene: MPDZ (multiple PDZ domain crumbs cell polarity complex component; minus strand). Cytogenetic location: 9p23.
Variant type: single nucleotide variant.
Coding change: c.883C>T on transcript NM_001378778.1 (MANE Select); coding-DNA position 883, C replaced by T.
Protein change: p.Arg295Cys; replaces arginine 295 with cysteine.
Molecular consequence: missense variant.
Genome position (GRCh38, 1-based): chr9:13,219,762, G>A on the plus strand (C>T on the coding strand, the complement: MPDZ is on the minus strand). VCF-style: chr9-13219762-G-A. GRCh37 (hg19) VCF-style: chr9-13219761-G-A.
Other names: c.883C>T, p.Arg295Cys (NM_001261406.2, NM_001261407.2, NM_001330637.2 and 14 more transcripts); c.883C>T (NM_003829.3); short protein forms R295C.
Identifiers: ClinVar variation 1522837 (VCV001522837.5), dbSNP rs770059283, ClinGen allele CA4987963.
Genomic context (GRCh38, chr9:13,219,762, plus strand): 5'-TGCTCATTCCTGCTAGATCTGTGTCACCAATCTTTAGAATGTGGTCTCCACTGCATAAAC[G>A]CCCATGCTGAGTAAAACAATATTGAATAATTAGACTATTATTATTTTAACTGCAACAGAT-3'
Protein context (NP_001365707.1, residues 285-305): LPGGVADQHG[Arg295Cys]LCSGDHILKI